The following is an entry in ClinVar:

ClinVar aggregate classification (germline): Uncertain significance (1 of 4 stars; one submission).

Conditions:
Cardiovascular phenotype. Identifiers: MedGen CN230736.

gnomAD v4.1: 1 of 1,614,108 alleles (0.000062%); no homozygotes.

Submission:

Ambry Genetics
Classification: Uncertain significance for Cardiovascular phenotype. Last evaluated: 2017-02-24. Review status: criteria provided, single submitter. Criteria: Ambry Variant Classification Scheme 2023. Collection method: clinical testing. Allele origin: germline.
Comment: The p.P165A variant (also known as c.493C>G), located in coding exon 4 of the ENG gene, results from a C to G substitution at nucleotide position 493. The proline at codon 165 is replaced by alanine, an amino acid with highly similar properties. This amino acid position is highly conserved in available vertebrate species. In addition, this alteration is predicted to be tolerated by in silico analysis. Since supporting evidence is limited at this time, the clinical significance of this alteration remains unclear.

NM_001114753.3(ENG):c.493C>G (p.Pro165Ala)

Gene: ENG (endoglin; minus strand). Cytogenetic location: 9q34.11.
Variant type: single nucleotide variant.
Coding change: c.493C>G on transcript NM_001114753.3 (MANE Select); coding-DNA position 493, C replaced by G.
Protein change: p.Pro165Ala; replaces proline 165 with alanine.
Molecular consequence: missense variant. On other transcripts: 5 prime UTR variant (1).
Genome position (GRCh38, 1-based): chr9:127,826,540, G>C on the plus strand (C>G on the coding strand, the complement: ENG is on the minus strand). VCF-style: chr9-127826540-G-C. GRCh37 (hg19) VCF-style: chr9-130588819-G-C.
Other names: c.493C>G, p.Pro165Ala (NM_000118.4, NM_001406715.1); c.-54C>G (NM_001278138.2); short protein forms P165A.
Identifiers: ClinVar variation 1744257 (VCV001744257.2), dbSNP rs1368341253, ClinGen allele CA374984153.